The following is an entry in ClinVar:

ClinVar aggregate classification (germline): Uncertain significance. Review status: criteria provided, multiple submitters, no conflicts (2 of 4 stars). 3 submissions from 3 submitters: Uncertain significance (3). Last evaluated 2022-09-06.

Conditions:
Cardiovascular phenotype. Identifiers: MedGen CN230736.
Alstrom syndrome (ALMS). Identifiers: Orphanet 64, MedGen C0268425, MONDO:0008763, OMIM 203800.

Allele frequency attached by ClinVar (database versions not stated): gnomAD 0.00001 and 0.00002; gnomAD exomes 0.00002 and 0.00006; TOPMed 0.00002; ExAC 0.00007.
gnomAD v4.1: 13 of 1,613,910 alleles (0.00081%); highest among the groups gnomAD compares: East Asian, 0.027%; no homozygotes.

Submissions (3):

Labcorp Genetics (formerly Invitae), Labcorp
Classification: Uncertain significance for Alstrom syndrome. Last evaluated: 2022-09-06. Review status: criteria provided, single submitter. Criteria: Invitae Variant Classification Sherloc (09022015). Collection method: clinical testing. Allele origin: germline.
Comment: This sequence change replaces serine with asparagine at codon 3732 of the ALMS1 protein (p.Ser3732Asn). The serine residue is moderately conserved and there is a small physicochemical difference between serine and asparagine. This variant is present in population databases (rs756136080, gnomAD 0.09%). This variant has not been reported in the literature in individuals affected with ALMS1-related conditions. ClinVar contains an entry for this variant (Variation ID: 1693432). Algorithms developed to predict the effect of missense changes on protein structure and function output the following: SIFT: "Not Available"; PolyPhen-2: "Not Available"; Align-GVGD: "Not Available". The asparagine amino acid residue is found in multiple mammalian species, which suggests that this missense change does not adversely affect protein function. In summary, the available evidence is currently insufficient to determine the role of this variant in disease. Therefore, it has been classified as a Variant of Uncertain Significance.

GeneDx
Classification: Uncertain significance. Last evaluated: 2022-01-03. Review status: criteria provided, single submitter. Criteria: GeneDx Variant Classification Process June 2021. Collection method: clinical testing. Allele origin: germline. Affected: yes.
Comment: In silico analysis supports that this missense variant does not alter protein structure/function; Has not been previously published as pathogenic or benign to our knowledge

Ambry Genetics
Classification: Uncertain significance for Cardiovascular phenotype. Last evaluated: 2020-03-12. Review status: criteria provided, single submitter. Criteria: Ambry Variant Classification Scheme 2023. Collection method: clinical testing. Allele origin: germline.
Comment: The p.S3732N variant (also known as c.11195G>A), located in coding exon 16 of the ALMS1 gene, results from a G to A substitution at nucleotide position 11195. The serine at codon 3732 is replaced by asparagine, an amino acid with highly similar properties. This amino acid position is not well conserved in available vertebrate species, and asparagine is the reference amino acid in other vertebrate species. In addition, this alteration is predicted to be tolerated by in silico analysis. Since supporting evidence is limited at this time, the clinical significance of this alteration remains unclear.

NM_001378454.1(ALMS1):c.11192G>A (p.Ser3731Asn)

Gene: ALMS1 (ALMS1 centrosome and basal body associated protein; plus strand). Cytogenetic location: 2p13.1.
Variant type: single nucleotide variant.
Coding change: c.11192G>A on transcript NM_001378454.1 (MANE Select); coding-DNA position 11192, G replaced by A.
Protein change: p.Ser3731Asn; replaces serine 3731 with asparagine.
Molecular consequence: missense variant.
Genome position (GRCh38, 1-based): chr2:73,573,069, G>A. VCF-style: chr2-73573069-G-A. GRCh37 (hg19) VCF-style: chr2-73800196-G-A.
Other names: c.11195G>A, p.Ser3732Asn (NM_015120.4); short protein forms S3731N, S3732N.
Identifiers: ClinVar variation 1693432 (VCV001693432.6), dbSNP rs756136080, ClinGen allele CA1715133.